The following is an entry in ClinVar:

NM_000548.5(TSC2):c.4558C>G (p.Leu1520Val)

Gene: TSC2 (TSC complex subunit 2; plus strand). Cytogenetic location: 16p13.3.
Variant type: single nucleotide variant.
Coding change: c.4558C>G on transcript NM_000548.5 (MANE Select); coding-DNA position 4558, C replaced by G.
Protein change: p.Leu1520Val; replaces leucine 1520 with valine.
Molecular consequence: missense variant. On other transcripts: non-coding transcript variant (5).
Genome position (GRCh38, 1-based): chr16:2,085,015, C>G. VCF-style: chr16-2085015-C-G. GRCh37 (hg19) VCF-style: chr16-2135016-C-G.
Other names: c.4357C>G, p.Leu1453Val (NM_001077183.3); c.4489C>G, p.Leu1497Val (NM_001114382.3); c.4249C>G, p.Leu1417Val (NM_001318827.2); c.4213C>G, p.Leu1405Val (NM_001318829.2); c.3826C>G, p.Leu1276Val (NM_001318831.2); c.4390C>G, p.Leu1464Val (NM_001318832.2); c.4360C>G, p.Leu1454Val (NM_001363528.2); c.4426C>G, p.Leu1476Val (NM_001370404.1); and 26 more; short protein forms L1005V, L1028V, L1029V, L1405V, L1450V, L1454V, L1519V, L1006V.
Identifiers: ClinVar variation 4556904 (VCV004556904.1).

ClinVar aggregate classification (germline): Uncertain significance (1 of 4 stars; one submission).

Conditions:
Hereditary cancer-predisposing syndrome. Also called: Tumor predisposition; Hereditary Cancer Syndrome; Hereditary neoplastic syndrome; Neoplastic Syndromes, Hereditary. Identifiers: Orphanet 140162, MedGen C0027672, MeSH D009386, MONDO:0015356.

Submission:

Ambry Genetics
Classification: Uncertain significance for Hereditary cancer-predisposing syndrome. Last evaluated: 2025-10-07. Review status: criteria provided, single submitter. Criteria: Ambry Variant Classification Scheme 2023. Collection method: clinical testing. Allele origin: germline.
Comment: The p.L1520V variant (also known as c.4558C>G), located in coding exon 34 of the TSC2 gene, results from a C to G substitution at nucleotide position 4558. The leucine at codon 1520 is replaced by valine, an amino acid with highly similar properties. This amino acid position is conserved. In addition, the in silico prediction for this alteration is inconclusive. Based on the available evidence, the clinical significance of this variant remains unclear.